The following is an entry in ClinVar:

ClinVar aggregate classification (germline): Uncertain significance (1 of 4 stars; one submission).

Submission:

Labcorp Genetics (formerly Invitae), Labcorp
Classification: Uncertain significance. Last evaluated: 2024-10-09. Review status: criteria provided, single submitter. Criteria: Invitae Variant Classification Sherloc (09022015). Collection method: clinical testing. Allele origin: germline.
Comment: This sequence change replaces isoleucine, which is neutral and non-polar, with valine, which is neutral and non-polar, at codon 397 of the TNNI3K protein (p.Ile397Val). This variant is not present in population databases (gnomAD no frequency). This variant has not been reported in the literature in individuals affected with TNNI3K-related conditions. Invitae Evidence Modeling of protein sequence and biophysical properties (such as structural, functional, and spatial information, amino acid conservation, physicochemical variation, residue mobility, and thermodynamic stability) indicates that this missense variant is not expected to disrupt TNNI3K protein function with a negative predictive value of 80%. In summary, the available evidence is currently insufficient to determine the role of this variant in disease. Therefore, it has been classified as a Variant of Uncertain Significance.

NM_015978.3(TNNI3K):c.1189A>G (p.Ile397Val)

Genes: FPGT-TNNI3K (FPGT-TNNI3K readthrough; plus strand), TNNI3K (TNNI3 interacting kinase; plus strand). Cytogenetic location: 1p31.1.
Variant type: single nucleotide variant.
Coding change: c.1189A>G on transcript NM_015978.3 (MANE Select); coding-DNA position 1189, A replaced by G.
Protein change: p.Ile397Val; replaces isoleucine 397 with valine.
Molecular consequence: missense variant.
Genome position (GRCh38, 1-based): chr1:74,367,267, A>G. VCF-style: chr1-74367267-A-G. GRCh37 (hg19) VCF-style: chr1-74832951-A-G.
Other names: c.1492A>G, p.Ile498Val (NM_001112808.3, NM_001199327.2); short protein forms I397V, I498V.
Identifiers: ClinVar variation 3675356 (VCV003675356.2).